The following is an entry in ClinVar:

ClinVar aggregate classification (germline): Uncertain significance (1 of 4 stars; one submission).

Conditions:
Cardiovascular phenotype. Identifiers: MedGen CN230736.

Submission:

Ambry Genetics
Classification: Uncertain significance for Cardiovascular phenotype. Last evaluated: 2026-05-12. Review status: criteria provided, single submitter. Criteria: Ambry Variant Classification Scheme 2023. Collection method: clinical testing. Allele origin: germline.
Comment: The p.T1655I variant (also known as c.4964C>T), located in coding exon 32 of the MYH6 gene, results from a C to T substitution at nucleotide position 4964. The threonine at codon 1655 is replaced by isoleucine, an amino acid with similar properties. This amino acid position is not well conserved in available vertebrate species. In addition, this alteration is predicted to be tolerated by in silico analysis. Based on the available evidence, the clinical significance of this variant remains unclear.

NM_002471.4(MYH6):c.4964C>T (p.Thr1655Ile)

Genes: MYH6 (myosin heavy chain 6; minus strand), LOC126861896 (BRD4-independent group 4 enhancer GRCh37_chr14:23854904-23856103; plus strand). Cytogenetic location: 14q11.2.
Variant type: single nucleotide variant.
Coding change: c.4964C>T on transcript NM_002471.4 (MANE Select); coding-DNA position 4964, C replaced by T.
Protein change: p.Thr1655Ile; replaces threonine 1655 with isoleucine.
Molecular consequence: missense variant.
Genome position (GRCh38, 1-based): chr14:23,386,127, G>A on the plus strand (C>T on the coding strand, the complement: MYH6 is on the minus strand). VCF-style: chr14-23386127-G-A. GRCh37 (hg19) VCF-style: chr14-23855336-G-A.
Other names: short protein forms T1655I.
Identifiers: ClinVar variation 4860568 (VCV004860568.1).